The following is an entry in ClinVar:

NM_001042492.3(NF1):c.6459_6476del (p.Thr2154_Pro2159del)

Gene: NF1 (neurofibromin 1; plus strand). Cytogenetic location: 17q11.2.
Variant type: Deletion.
Coding change: c.6459_6476del on transcript NM_001042492.3 (MANE Select); coding-DNA positions 6459 to 6476, 18 bases deleted (GACAGAGTTCTCATTACC).
Protein change: p.Thr2154_Pro2159del.
Molecular consequence: inframe deletion. On other transcripts: inframe indel (1).
Genome position (GRCh38, 1-based): chr17:31,337,399-31,337,416, GACAGAGTTCTCATTACC deleted. VCF-style (leftmost placement, unchanged base first): chr17-31337398-TGACAGAGTTCTCATTACC-T. GRCh37 (hg19) VCF-style: chr17-29664416-TGACAGAGTTCTCATTACC-T.
Other names: c.6396_6413del18, p.Thr2133_Pro2138del (NM_000267.4).
Identifiers: ClinVar variation 3382970 (VCV003382970.2).

ClinVar aggregate classification (germline): Likely pathogenic (1 of 4 stars; one submission).

Conditions:
Neurofibromatosis, familial spinal (FSNF). Identifiers: Orphanet 636, MedGen C1834235, MONDO:0008078, OMIM 162210. Disease mechanism: loss of function.
Neurofibromatosis-Noonan syndrome (NFNS). Also called: NEUROFIBROMATOSIS WITH NOONAN PHENOTYPE. Identifiers: Orphanet 638, MedGen C2931482, MONDO:0011035, OMIM 601321. Disease mechanism: loss of function.
Neurofibromatosis, type 1 (NF1). Also called: Neurofibromatosis, type I; VON RECKLINGHAUSEN DISEASE; NEUROFIBROMATOSIS, TYPE I, SOMATIC; Peripheral type neurofibromatosis. Identifiers: Orphanet 636, MedGen C0027831, MONDO:0018975, OMIM 162200. Disease mechanism: loss of function.
Café-au-lait macules with pulmonary stenosis (WTSN). Also called: PULMONIC STENOSIS WITH CAFE-AU-LAIT SPOTS. Identifiers: MedGen C0553586, MONDO:0008672, OMIM 193520.
Juvenile myelomonocytic leukemia (JMML). Also called: LEUKEMIA, JUVENILE MYELOMONOCYTIC, SOMATIC. Identifiers: Orphanet 86834, MedGen C0349639, MONDO:0011908, OMIM 607785, HP:0012209.

Submission:

Juno Genomics, Hangzhou Juno Genomics, Inc
Classification: Likely pathogenic for Juvenile myelomonocytic leukemia; Neurofibromatosis, familial spinal; Neurofibromatosis, type 1; Neurofibromatosis-Noonan syndrome; Café-au-lait macules with pulmonary stenosis. Review status: criteria provided, single submitter. Criteria: ACMG Guidelines, 2015. Collection method: clinical testing. Allele origin: germline. Affected: yes.
Comment: Absent from controls (or at extremely low frequency if recessive) in Genome Aggregation Database, Exome Sequencing Project, 1000 Genomes Project, or Exome Aggregation Consortium.;Protein length changes due to in-frame deletions/insertions in a non-repeat region or stop-loss variants.;Assumed de novo, but without confirmation of paternity and maternity.;Patient's phenotype or family history is highly specific for a disease with a single genetic etiology.